The following is an entry in ClinVar:

ClinVar aggregate classification (germline): Likely benign (1 of 4 stars; one submission).

Allele frequency attached by ClinVar (database versions not stated): gnomAD exomes 0.00003 and 0.00006; ExAC 0.00005; gnomAD 0.00015 and 0.00016; TOPMed 0.00035; ESP Exome Variant Server 0.00038.
gnomAD v4.1: 61 of 1,614,032 alleles (0.0038%); highest among the groups gnomAD compares: African/African-American, 0.079%; no homozygotes.

Submission:

GeneDx
Classification: Likely benign. Last evaluated: 2018-06-04. Review status: criteria provided, single submitter. Criteria: GeneDx Variant Classification (06012015). Collection method: clinical testing. Allele origin: germline. Affected: yes.
Comment: This variant is considered likely benign or benign based on one or more of the following criteria: it is a conservative change, it occurs at a poorly conserved position in the protein, it is predicted to be benign by multiple in silico algorithms, and/or has population frequency not consistent with disease.

NM_001347995.2(ENTREP1):c.1081C>T (p.Gln361Ter)

Gene: ENTREP1 (endosomal transmembrane epsin interactor 1; plus strand). Cytogenetic location: 9q21.12.
Variant type: single nucleotide variant.
Coding change: c.1081C>T on transcript NM_001347995.2 (MANE Select); coding-DNA position 1081, C replaced by T.
Protein change: p.Gln361Ter; replaces glutamine 361 with a stop codon.
Molecular consequence: nonsense. On other transcripts: non-coding transcript variant (1).
Genome position (GRCh38, 1-based): chr9:69,383,757, C>T. VCF-style: chr9-69383757-C-T. GRCh37 (hg19) VCF-style: chr9-71998673-C-T.
Other names: c.622C>T, p.Gln208Ter (NM_001127608.3, NM_004816.5); short protein forms Q208*, Q361*.
Identifiers: ClinVar variation 668253 (VCV000668253.2), dbSNP rs147245375, ClinGen allele CA5074336.